The following is an entry in ClinVar:

NM_001035.3(RYR2):c.13475T>C (p.Leu4492Pro)

Gene: RYR2 (ryanodine receptor 2; plus strand). Cytogenetic location: 1q43.
Variant type: single nucleotide variant.
Coding change: c.13475T>C on transcript NM_001035.3 (MANE Select); coding-DNA position 13475, T replaced by C.
Protein change: p.Leu4492Pro; replaces leucine 4492 with proline.
Molecular consequence: missense variant.
Genome position (GRCh38, 1-based): chr1:237,788,134, T>C. VCF-style: chr1-237788134-T-C. GRCh37 (hg19) VCF-style: chr1-237951434-T-C.
Other names: short protein forms L4492P.
Identifiers: ClinVar variation 2058051 (VCV002058051.4), dbSNP rs2527858100, ClinGen allele CA345416681.

ClinVar aggregate classification (germline): Uncertain significance (1 of 4 stars; one submission).

Conditions:
Catecholaminergic polymorphic ventricular tachycardia 1. Also called: VENTRICULAR TACHYCARDIA, STRESS-INDUCED POLYMORPHIC 1; VENTRICULAR TACHYCARDIA, CATECHOLAMINERGIC POLYMORPHIC, 1, WITH OR WITHOUT ATRIAL DYSFUNCTION AND/OR DILATED CARDIOMYOPATHY; RYR2-Related Catecholaminergic Polymorphic Ventricular Tachycardia. Identifiers: Orphanet 3286, MedGen C1631597, MONDO:0011484, OMIM 604772.

Submission:

Labcorp Genetics (formerly Invitae), Labcorp
Classification: Uncertain significance for Catecholaminergic polymorphic ventricular tachycardia 1. Last evaluated: 2022-07-05. Review status: criteria provided, single submitter. Criteria: Invitae Variant Classification Sherloc (09022015). Collection method: clinical testing. Allele origin: germline.
Comment: This sequence change replaces leucine, which is neutral and non-polar, with proline, which is neutral and non-polar, at codon 4492 of the RYR2 protein (p.Leu4492Pro). This variant is not present in population databases (gnomAD no frequency). This variant has not been reported in the literature in individuals affected with RYR2-related conditions. Algorithms developed to predict the effect of missense changes on protein structure and function are either unavailable or do not agree on the potential impact of this missense change (SIFT: "Deleterious"; PolyPhen-2: "Probably Damaging"; Align-GVGD: "Class C0"). In summary, the available evidence is currently insufficient to determine the role of this variant in disease. Therefore, it has been classified as a Variant of Uncertain Significance.